The following is an entry in ClinVar:

NM_001080467.3(MYO5B):c.1755C>G (p.Phe585Leu)

Gene: MYO5B (myosin VB; minus strand). Cytogenetic location: 18q21.1.
Variant type: single nucleotide variant.
Coding change: c.1755C>G on transcript NM_001080467.3 (MANE Select); coding-DNA position 1755, C replaced by G.
Protein change: p.Phe585Leu; replaces phenylalanine 585 with leucine.
Molecular consequence: missense variant.
Genome position (GRCh38, 1-based): chr18:49,937,395, G>C on the plus strand (C>G on the coding strand, the complement: MYO5B is on the minus strand). VCF-style: chr18-49937395-G-C. GRCh37 (hg19) VCF-style: chr18-47463765-G-C.
Other names: c.1755C>G (NM_001080467.2); short protein forms F585L.
Identifiers: ClinVar variation 1505820 (VCV001505820.6), dbSNP rs139542376, ClinGen allele CA8961384.

ClinVar aggregate classification (germline): Uncertain significance. Review status: criteria provided, multiple submitters, no conflicts (2 of 4 stars). 2 submissions from 2 submitters: Uncertain significance (2). Last evaluated 2023-04-12.

Conditions:
Inborn genetic diseases. Identifiers: MedGen C0950123, MeSH D030342.

Allele frequency attached by ClinVar (database versions not stated): 1000 Genomes Project 30x 0.00016; 1000 Genomes Project 0.00020.
gnomAD v4.1: 19 of 1,613,860 alleles (0.0012%); highest among the groups gnomAD compares: Middle Eastern, 0.017%; no homozygotes.

Submissions (2):

Ambry Genetics
Classification: Uncertain significance for Inborn genetic diseases. Last evaluated: 2023-04-12. Review status: criteria provided, single submitter. Criteria: Ambry Variant Classification Scheme 2023. Collection method: clinical testing. Allele origin: germline.

Labcorp Genetics (formerly Invitae), Labcorp
Classification: Uncertain significance. Last evaluated: 2022-10-26. Review status: criteria provided, single submitter. Criteria: Invitae Variant Classification Sherloc (09022015). Collection method: clinical testing. Allele origin: germline.
Comment: This sequence change replaces phenylalanine, which is neutral and non-polar, with leucine, which is neutral and non-polar, at codon 585 of the MYO5B protein (p.Phe585Leu). This variant is present in population databases (rs139542376, gnomAD 0.02%). This variant has not been reported in the literature in individuals affected with MYO5B-related conditions. ClinVar contains an entry for this variant (Variation ID: 1505820). Algorithms developed to predict the effect of missense changes on protein structure and function output the following: SIFT: "Deleterious"; PolyPhen-2: "Benign"; Align-GVGD: "Class C0". The leucine amino acid residue is found in multiple mammalian species, which suggests that this missense change does not adversely affect protein function. In summary, the available evidence is currently insufficient to determine the role of this variant in disease. Therefore, it has been classified as a Variant of Uncertain Significance.